The following is an entry in ClinVar:

ClinVar aggregate classification (germline): Pathogenic/Likely pathogenic. Review status: criteria provided, multiple submitters, no conflicts (2 of 4 stars). 4 submissions from 4 submitters: Pathogenic (2); Likely pathogenic (2). Last evaluated 2024-09-03.

Conditions:
Autosomal recessive Alport syndrome (ATS2). Also called: COL4A4 Alport Syndrome and Thin Basement Membrane Nephropathy; ALPORT SYNDROME 2, AUTOSOMAL RECESSIVE; Alport syndrome type 2; COL4A3-Related Nephropathy. Identifiers: Orphanet 63, Orphanet 88919, MedGen C4746745, MONDO:0008762, OMIM 203780.
Hematuria, benign familial, 1 (BFH1). Also called: THIN MEMBRANE NEPHROPATHY. Identifiers: MedGen CN376803, MONDO:0007709, OMIM 141200.
Benign familial hematuria. Also called: thin basement membrane disease. Identifiers: MedGen C0241908, MONDO:0957317.
COL4A4-related disorder.

Submissions (4):

Blueprint Genetics
Classification: Likely pathogenic for COL4A4-related disorders. Last evaluated: 2024-09-03. Review status: criteria provided, single submitter. Criteria: ACMG Guidelines, 2015. Collection method: clinical testing. Allele origin: germline. Affected: yes. Observed: 2 variant alleles.

Fulgent Genetics
Classification: Pathogenic for Hematuria, benign familial, 1; Autosomal recessive Alport syndrome. Last evaluated: 2024-05-31. Review status: criteria provided, single submitter. Criteria: ACMG Guidelines, 2015. Collection method: clinical testing. Allele origin: germline.

Institute of Human Genetics Munich, TUM University Hospital
Classification: Likely pathogenic for Hematuria, benign familial, 1. Last evaluated: 2022-08-01. Review status: criteria provided, single submitter. Criteria: Classification criteria August 2017. Collection method: clinical testing. Allele origin: germline. Inheritance: Autosomal dominant inheritance. Affected: yes. Observed: 2 variant alleles.

Labcorp Genetics (formerly Invitae), Labcorp
Classification: Pathogenic. Last evaluated: 2021-02-08. Review status: criteria provided, single submitter. Criteria: Invitae Variant Classification Sherloc (09022015). Collection method: clinical testing. Allele origin: germline.
Comment: This variant is not present in population databases (ExAC no frequency). For these reasons, this variant has been classified as Pathogenic. Algorithms developed to predict the effect of sequence changes on RNA splicing suggest that this variant may disrupt the consensus splice site, but this prediction has not been confirmed by published transcriptional studies. This variant has been observed in individual(s) with clinical features of Alport syndrome (PMID: 31686460, Invitae). This sequence change affects an acceptor splice site in intron 4 of the COL4A4 gene. It is expected to disrupt RNA splicing. Variants that disrupt the donor or acceptor splice site typically lead to a loss of protein function (PMID: 16199547), and loss-of-function variants in COL4A4 are known to be pathogenic (PMID: 21196518, 24854265, 25307543).

Literature cited by the submitters: PubMed 31686460 (cited by Labcorp Genetics (formerly Invitae), Labcorp); PubMed 16199547 (cited by Labcorp Genetics (formerly Invitae), Labcorp); PubMed 21196518 (cited by Labcorp Genetics (formerly Invitae), Labcorp); PubMed 24854265 (cited by Labcorp Genetics (formerly Invitae), Labcorp); PubMed 25307543 (cited by Labcorp Genetics (formerly Invitae), Labcorp).

NM_000092.5(COL4A4):c.193-2A>C

Gene: COL4A4 (collagen type IV alpha 4 chain; minus strand). Cytogenetic location: 2q36.3.
Variant type: single nucleotide variant.
Coding change: c.193-2A>C on transcript NM_000092.5 (MANE Select); the canonical splice acceptor site of the intron before coding-DNA position 193, A replaced by C.
Molecular consequence: splice acceptor variant.
Genome position (GRCh38, 1-based): chr2:227,121,150, T>G on the plus strand (A>C on the coding strand, the complement: COL4A4 is on the minus strand). VCF-style: chr2-227121150-T-G. GRCh37 (hg19) VCF-style: chr2-227985866-T-G.
Identifiers: ClinVar variation 1067311 (VCV001067311.12), dbSNP rs2125038490, ClinGen allele CA350863545.
Genomic context (GRCh38, chr2:227,121,150, plus strand): 5'-GGTCCTGGGGCTCCCAGGGGTCCAATTGGACCCTGTGGCCCTGGTGGTCCTGGTGGACCC[T>G]GAGAAGGAAGATTAAAAAGAAATGGGGGTGCAATTCTTAATTACTGTCTTCTAACACAAA-3'